The following is an entry in ClinVar:

NM_000554.6(CRX):c.*1792C>T

Gene: CRX (cone-rod homeobox; plus strand). Cytogenetic location: 19q13.33.
Variant type: single nucleotide variant.
Coding change: c.*1792C>T on transcript NM_000554.6 (MANE Select); 1792 bases downstream of the stop codon, C replaced by T.
Molecular consequence: 3 prime UTR variant.
Genome position (GRCh38, 1-based): chr19:47,841,759, C>T. VCF-style: chr19-47841759-C-T. GRCh37 (hg19) VCF-style: chr19-48345016-C-T.
Identifiers: ClinVar variation 329747 (VCV000329747.6), dbSNP rs56226622, ClinGen allele CA10648918.

ClinVar aggregate classification (germline): Benign. Review status: criteria provided, multiple submitters, no conflicts (2 of 4 stars). 4 submissions from 2 submitters: Benign (4). Last evaluated 2018-01-12.

Conditions:
Retinitis pigmentosa (RP). Identifiers: Orphanet 791, MedGen C0035334, MeSH D012174, MONDO:0019200, OMIM 268000. Inheritance: Autosomal dominant, autosomal recessive and X linked inheritance.
Leber congenital amaurosis 7 (LCA7). Identifiers: Orphanet 65, MedGen C3151192, MONDO:0013449, OMIM 613829.
Cone-rod dystrophy 2 (CORD2). Also called: CONE-ROD RETINAL DYSTROPHY; Cone-rod retinal dystrophy 2. Identifiers: Orphanet 1872, MedGen C3489532, MONDO:0007362, OMIM 120970.

Allele frequency attached by ClinVar (database versions not stated): gnomAD 0.04169 and 0.04477; 1000 Genomes Project 0.04293; 1000 Genomes Project 30x 0.04606; TOPMed 0.04738.

Submissions (4):

Illumina Laboratory Services, Illumina
Classification: Benign for Retinitis pigmentosa. Last evaluated: 2018-01-12. Review status: criteria provided, single submitter. Criteria: ICSL Variant Classification Criteria 13 December 2019. Collection method: clinical testing. Allele origin: germline.
Comment: This variant was observed in the ICSL laboratory as part of a predisposition screen in an ostensibly healthy population. It had not been previously curated by ICSL or reported in the Human Gene Mutation Database (HGMD: prior to June 1st, 2018), and was therefore a candidate for classification through an automated scoring system. Utilizing variant allele frequency, disease prevalence and penetrance estimates, and inheritance mode, an automated score was calculated to assess if this variant is too frequent to cause the disease. Based on the score and internal cut-off values, a variant classified as benign is not then subjected to further curation. The score for this variant resulted in a classification of benign for this disease.

Illumina Laboratory Services, Illumina
Classification: Benign for Cone-rod dystrophy 2. Last evaluated: 2018-01-12. Review status: criteria provided, single submitter. Criteria: ICSL Variant Classification Criteria 13 December 2019. Collection method: clinical testing. Allele origin: germline.
Comment: the same text as in the submission from Illumina Laboratory Services, Illumina above.

Illumina Laboratory Services, Illumina
Classification: Benign for Leber congenital amaurosis 7. Last evaluated: 2018-01-12. Review status: criteria provided, single submitter. Criteria: ICSL Variant Classification Criteria 13 December 2019. Collection method: clinical testing. Allele origin: germline.
Comment: the same text as in the submission from Illumina Laboratory Services, Illumina above.

Breakthrough Genomics
Classification: Benign. Review status: criteria provided, single submitter. Criteria: ACMG Guidelines, 2015. Collection method: not provided. Allele origin: germline. Inheritance: Autosomal dominant inheritance. Affected: yes.